The following is an entry in ClinVar:

ClinVar aggregate classification (germline): Likely benign (1 of 4 stars; one submission).

Submission:

Women's Health and Genetics/Laboratory Corporation of America, LabCorp
Classification: Likely benign. Last evaluated: 2023-08-14. Review status: criteria provided, single submitter. Criteria: LabCorp Variant Classification Summary - May 2015. Collection method: clinical testing. Allele origin: germline.
Comment: Variant summary: SPECC1L c.1149G>T alters a non-conserved nucleotide resulting in a synonymous change. 4/4 computational tools predict no significant impact on normal splicing. However, these predictions have yet to be confirmed by functional studies. The variant was absent in 250696 control chromosomes (gnomAD). The available data on variant occurrences in the general population are insufficient to allow any conclusion about variant significance. To our knowledge, no occurrence of c.1149G>T in individuals affected with Opitz GBBB Syndrome, Type II and no experimental evidence demonstrating its impact on protein function have been reported. No submitters have cited clinical-significance assessments for this variant to ClinVar after 2014. Based on the evidence outlined above, the variant was classified as likely benign.

NM_015330.6(SPECC1L):c.1149G>T (p.Gly383=)

Genes: SPECC1L (sperm antigen with calponin homology and coiled-coil domains 1 like; plus strand), SPECC1L-ADORA2A (SPECC1L-ADORA2A readthrough (NMD candidate); plus strand). Cytogenetic location: 22q11.23.
Variant type: single nucleotide variant.
Coding change: c.1149G>T on transcript NM_015330.6 (MANE Select); coding-DNA position 1149, G replaced by T.
Protein change: p.Gly383=; no amino-acid change (glycine 383 retained).
Molecular consequence: synonymous variant. On other transcripts: non-coding transcript variant (1).
Genome position (GRCh38, 1-based): chr22:24,322,129, G>T. VCF-style: chr22-24322129-G-T. GRCh37 (hg19) VCF-style: chr22-24718097-G-T.
Other names: c.1149G>T, p.Gly383= (NM_001145468.4, NM_001254732.3).
Identifiers: ClinVar variation 2581690 (VCV002581690.1), dbSNP rs113210669, ClinGen allele CA322648169.